The following is an entry in ClinVar:

NM_004336.5(BUB1):c.2666T>C (p.Met889Thr)

Gene: BUB1 (BUB1 mitotic checkpoint serine/threonine kinase; minus strand). Cytogenetic location: 2q13.
Variant type: single nucleotide variant.
Coding change: c.2666T>C on transcript NM_004336.5 (MANE Select); coding-DNA position 2666, T replaced by C.
Protein change: p.Met889Thr; replaces methionine 889 with threonine.
Molecular consequence: missense variant. On other transcripts: intron variant (1).
Genome position (GRCh38, 1-based): chr2:110,641,424, A>G on the plus strand (T>C on the coding strand, the complement: BUB1 is on the minus strand). VCF-style: chr2-110641424-A-G. GRCh37 (hg19) VCF-style: chr2-111399001-A-G.
Other names: c.2606T>C, p.Met869Thr (NM_001278616.2); c.2625+218T>C (NM_001278617.2); short protein forms M869T, M889T.
Identifiers: ClinVar variation 3262129 (VCV003262129.1).

ClinVar aggregate classification (germline): Uncertain significance (1 of 4 stars; one submission).

Submission:

Ambry Genetics
Classification: Uncertain significance. Last evaluated: 2024-03-28. Review status: criteria provided, single submitter. Criteria: Ambry Variant Classification Scheme 2023. Collection method: clinical testing. Allele origin: germline.
Comment: The p.M889T variant (also known as c.2666T>C), located in coding exon 22 of the BUB1 gene, results from a T to C substitution at nucleotide position 2666. The methionine at codon 889 is replaced by threonine, an amino acid with similar properties. This amino acid position is conserved. In addition, the in silico prediction for this alteration is inconclusive. Based on the available evidence, the clinical significance of this alteration remains unclear.